The following is an entry in ClinVar:

ClinVar aggregate classification (germline): Uncertain significance. Review status: criteria provided, multiple submitters, no conflicts (2 of 4 stars). 2 submissions from 2 submitters: Uncertain significance (2). Last evaluated 2023-12-18.

Conditions:
Cardiomyopathy (CMYO). Also called: Cardiomyopathies. Identifiers: Orphanet 167848, MedGen C0878544, MONDO:0004994, HP:0001638. Inheritance: Various modes of inheritance.
Hypertrophic cardiomyopathy. Also called: HYPERTROPHIC MYOCARDIOPATHY. Identifiers: Orphanet 217569, MedGen C0007194, MeSH D002312, MONDO:0005045, HP:0001639.

Allele frequency attached by ClinVar (database versions not stated): gnomAD exomes below 0.00001.
gnomAD v4.1: 4 of 1,612,674 alleles (0.00025%); highest among the groups gnomAD compares: South Asian, 0.0011%; no homozygotes.

Submissions (2):

All of Us Research Program, National Institutes of Health
Classification: Uncertain significance for Hypertrophic cardiomyopathy. Last evaluated: 2023-12-18. Review status: criteria provided, single submitter. Criteria: ACMG Guidelines, 2015. Collection method: clinical testing. Allele origin: germline. Inheritance: Autosomal dominant inheritance. Observed: 1 variant allele, 1 heterozygote.
Comment: This missense variant replaces alanine with glycine at codon 22 of the TPM1 protein. Computational prediction suggests that this variant may have deleterious impact on protein structure and function (internally defined REVEL score threshold >= 0.7, PMID: 27666373). Splice site prediction tools suggest that this variant may not impact RNA splicing. To our knowledge, functional studies have not been performed for this variant. This variant has not been reported in individuals affected with cardiovascular disorders in the literature. This variant has not been identified in the general population by the Genome Aggregation Database (gnomAD). The available evidence is insufficient to determine the role of this variant in disease conclusively. Therefore, this variant is classified as a Variant of Uncertain Significance.

This study involves interpretation of variants in research participants for the purpose of population health screening. Participant phenotype was not available at the time of variant classification. Additional details can be found in publication PMID: 35346344, PMCID: PMC8962531

Color Diagnostics, LLC DBA Color Health
Classification: Uncertain significance for Cardiomyopathy. Last evaluated: 2023-11-20. Review status: criteria provided, single submitter. Criteria: ACMG Guidelines, 2015. Collection method: clinical testing. Allele origin: germline.
Comment: This missense variant replaces alanine with glycine at codon 22 of the TPM1 protein. Computational prediction tools indicate that this variant has a deleterious impact on protein structure and function. To our knowledge, functional studies have not been reported for this variant. This variant has not been reported in individuals affected with TPM1-related disorders in the literature. This variant has not been identified in the general population by the Genome Aggregation Database (gnomAD). The available evidence is insufficient to determine the role of this variant in disease conclusively. Therefore, this variant is classified as a Variant of Uncertain Significance.

NM_001018005.2(TPM1):c.65C>G (p.Ala22Gly)

Gene: TPM1 (tropomyosin 1; plus strand). Cytogenetic location: 15q22.2.
Variant type: single nucleotide variant.
Coding change: c.65C>G on transcript NM_001018005.2 (MANE Select); coding-DNA position 65, C replaced by G.
Protein change: p.Ala22Gly; replaces alanine 22 with glycine.
Molecular consequence: missense variant.
Genome position (GRCh38, 1-based): chr15:63,042,894, C>G. VCF-style: chr15-63042894-C-G. GRCh37 (hg19) VCF-style: chr15-63335093-C-G.
Other names: c.65C>G, p.Ala22Gly (NM_000366.6, NM_001018004.2, NM_001018006.2 and 7 more transcripts); short protein forms A22G.
Identifiers: ClinVar variation 923456 (VCV000923456.6), dbSNP rs2031431973, ClinGen allele CA392718055.